The following is an entry in ClinVar:

ClinVar aggregate classification (germline): Likely benign (1 of 4 stars; one submission).

gnomAD v4.1: 29 of 1,614,188 alleles (0.0018%); highest among the groups gnomAD compares: South Asian, 0.031%; no homozygotes.

Submission:

CeGaT Center for Human Genetics Tuebingen
Classification: Likely benign. Last evaluated: 2025-11-01. Review status: criteria provided, single submitter. Criteria: CeGaT Center For Human Genetics Tuebingen Variant Classification Criteria Version 2. Collection method: clinical testing. Allele origin: germline. Affected: yes. Observed: 1 variant allele.
Comment: BAZ2B: BP4, BP7

NM_013450.4(BAZ2B):c.2658A>G (p.Leu886=)

Gene: BAZ2B (bromodomain adjacent to zinc finger domain 2B; minus strand). Cytogenetic location: 2q24.2.
Variant type: single nucleotide variant.
Coding change: c.2658A>G on transcript NM_013450.4 (MANE Select); coding-DNA position 2658, A replaced by G.
Protein change: p.Leu886=; no amino-acid change (leucine 886 retained).
Molecular consequence: synonymous variant.
Genome position (GRCh38, 1-based): chr2:159,412,354, T>C on the plus strand (A>G on the coding strand, the complement: BAZ2B is on the minus strand). VCF-style: chr2-159412354-T-C. GRCh37 (hg19) VCF-style: chr2-160268865-T-C.
Other names: c.2550A>G, p.Leu850= (NM_001289975.1); c.2469A>G, p.Leu823= (NM_001329857.2); c.2556A>G, p.Leu852= (NM_001329858.2).
Identifiers: ClinVar variation 4534580 (VCV004534580.6).